The following is an entry in ClinVar:

NM_001046.3(SLC12A2):c.113C>G (p.Ala38Gly)

Genes: SLC12A2 (solute carrier family 12 member 2; plus strand), LOC129994526 (ATAC-STARR-seq lymphoblastoid silent region 16295; plus strand). Cytogenetic location: 5q23.3.
Variant type: single nucleotide variant.
Coding change: c.113C>G on transcript NM_001046.3 (MANE Select); coding-DNA position 113, C replaced by G.
Protein change: p.Ala38Gly; replaces alanine 38 with glycine.
Molecular consequence: missense variant. On other transcripts: non-coding transcript variant (1).
Genome position (GRCh38, 1-based): chr5:128,084,067, C>G. VCF-style: chr5-128084067-C-G. GRCh37 (hg19) VCF-style: chr5-127419759-C-G.
Other names: c.113C>G, p.Ala38Gly (NM_001256461.2); short protein forms A38G.
Identifiers: ClinVar variation 3250941 (VCV003250941.18), dbSNP rs1017097469.

ClinVar aggregate classification (germline): Uncertain significance (1 of 4 stars; one submission).

Submission:

CeGaT Center for Human Genetics Tuebingen
Classification: Uncertain significance. Last evaluated: 2024-06-01. Review status: criteria provided, single submitter. Criteria: CeGaT Center For Human Genetics Tuebingen Variant Classification Criteria Version 2. Collection method: clinical testing. Allele origin: germline. Affected: yes. Observed: 1 variant allele.
Comment: SLC12A2: PM2